The following is an entry in ClinVar:

NM_001164508.2(NEB):c.2835+1G>A

Gene: NEB (nebulin; minus strand). Cytogenetic location: 2q23.3.
Variant type: single nucleotide variant.
Coding change: c.2835+1G>A on transcript NM_001164508.2 (MANE Select); the canonical splice donor site of the intron after coding-DNA position 2835, G replaced by A.
Molecular consequence: splice donor variant.
Genome position (GRCh38, 1-based): chr2:151,684,777, C>T on the plus strand (G>A on the coding strand, the complement: NEB is on the minus strand). VCF-style: chr2-151684777-C-T. GRCh37 (hg19) VCF-style: chr2-152541291-C-T.
Other names: c.2835+1G>A (NM_004543.5, NM_001164507.2, NM_001271208.2).
Identifiers: ClinVar variation 2033710 (VCV002033710.4), dbSNP rs2552265316, ClinGen allele CA348821857.

ClinVar aggregate classification (germline): Likely pathogenic (1 of 4 stars; one submission).

Conditions:
Nemaline myopathy 2 (NEM2). Also called: Nemaline myopathy 2, autosomal recessive. Identifiers: MedGen C1850569, MONDO:0009725, OMIM 256030.

Submission:

Labcorp Genetics (formerly Invitae), Labcorp
Classification: Likely pathogenic for Nemaline myopathy 2. Last evaluated: 2022-10-02. Review status: criteria provided, single submitter. Criteria: Invitae Variant Classification Sherloc (09022015). Collection method: clinical testing. Allele origin: germline.
Comment: In summary, the currently available evidence indicates that the variant is pathogenic, but additional data are needed to prove that conclusively. Therefore, this variant has been classified as Likely Pathogenic. Algorithms developed to predict the effect of sequence changes on RNA splicing suggest that this variant may disrupt the consensus splice site. This variant has not been reported in the literature in individuals affected with NEB-related conditions. This variant is not present in population databases (gnomAD no frequency). This sequence change affects a donor splice site in intron 28 of the NEB gene. It is expected to disrupt RNA splicing. Variants that disrupt the donor or acceptor splice site typically lead to a loss of protein function (PMID: 16199547), and loss-of-function variants in NEB are known to be pathogenic (PMID: 25205138).

Literature cited by the submitters: PubMed 16199547; PubMed 25205138.